The following is an entry in ClinVar:

NM_020975.6(RET):c.2376G>A (p.Gly792=)

Gene: RET (ret proto-oncogene; plus strand). Cytogenetic location: 10q11.21.
Variant type: single nucleotide variant.
Coding change: c.2376G>A on transcript NM_020975.6 (MANE Select); coding-DNA position 2376, G replaced by A.
Protein change: p.Gly792=; no amino-acid change (glycine 792 retained).
Molecular consequence: synonymous variant.
Genome position (GRCh38, 1-based): chr10:43,118,464, G>A. VCF-style: chr10-43118464-G-A. GRCh37 (hg19) VCF-style: chr10-43613912-G-A.
Other names: c.2376G>A, p.Gly792= (NM_000323.2, NM_001406743.1, NM_001406744.1 and 4 more transcripts); c.1614G>A, p.Gly538= (NM_001355216.2); c.2247G>A, p.Gly749= (NM_001406761.1, NM_001406762.1, NM_001406764.1); c.2241G>A, p.Gly747= (NM_001406763.1, NM_001406765.1); c.2088G>A, p.Gly696= (NM_001406766.1, NM_001406767.1, NM_001406770.1); c.2112G>A, p.Gly704= (NM_001406768.1); c.1980G>A, p.Gly660= (NM_001406769.1, NM_001406772.1); c.1938G>A, p.Gly646= (NM_001406771.1, NM_001406773.1); and 10 more.
Identifiers: ClinVar variation 1097116 (VCV001097116.12), dbSNP rs756758769, ClinGen allele CA038767.

ClinVar aggregate classification (germline): Benign/Likely benign. Review status: criteria provided, multiple submitters, no conflicts (2 of 4 stars). 3 submissions from 3 submitters: Benign (1); Likely benign (2). Last evaluated 2025-02-26.

Conditions:
Multiple endocrine neoplasia type 2A. Also called: Multiple Endocrine Neoplasia Type 2A (MEN2A); MULTIPLE ENDOCRINE NEOPLASIA, TYPE IIA; PTC SYNDROME; SIPPLE SYNDROME; MEN 2A; MEN-2A syndrome. Identifiers: Orphanet 247698, Orphanet 653, MedGen C0025268, MeSH D018813, MONDO:0008234, OMIM 171400.
Hereditary cancer-predisposing syndrome. Also called: Tumor predisposition; Hereditary neoplastic syndrome; Hereditary Cancer Syndrome; Neoplastic Syndromes, Hereditary. Identifiers: Orphanet 140162, MedGen C0027672, MeSH D009386, MONDO:0015356.
Multiple endocrine neoplasia, type 2 (MEN2). Identifiers: Orphanet 653, MedGen C4048306, MONDO:0019003. Disease mechanism: gain of function.

Allele frequency attached by ClinVar (database versions not stated): gnomAD exomes below 0.00001; ExAC 0.00001.
gnomAD v4.1: 1 of 1,613,810 alleles (0.000062%); highest among the groups gnomAD compares: East Asian, 0.0022%; no homozygotes.

Submissions (3):

Myriad Genetics, Inc.
Classification: Benign for Multiple endocrine neoplasia type 2A. Last evaluated: 2025-02-26. Review status: criteria provided, single submitter. Criteria: Myriad Autosomal Dominant, Autosomal Recessive and X-Linked Classification Criteria (2023). Collection method: clinical testing. Allele origin: unknown.
Comment: This variant is considered benign. This variant is a silent/synonymous amino acid change and it is not expected to impact splicing.

Ambry Genetics
Classification: Likely benign for Hereditary cancer-predisposing syndrome. Last evaluated: 2024-08-07. Review status: criteria provided, single submitter. Criteria: Ambry Variant Classification Scheme 2023. Collection method: clinical testing. Allele origin: germline.

Labcorp Genetics (formerly Invitae), Labcorp
Classification: Likely benign for Multiple endocrine neoplasia, type 2. Last evaluated: 2023-12-27. Review status: criteria provided, single submitter. Criteria: Invitae Variant Classification Sherloc (09022015). Collection method: clinical testing. Allele origin: germline.